The following is an entry in ClinVar:

ClinVar aggregate classification (germline): Uncertain significance. Review status: criteria provided, multiple submitters, no conflicts (2 of 4 stars). 2 submissions from 2 submitters: Uncertain significance (2). Last evaluated 2025-11-24.

Allele frequency attached by ClinVar (database versions not stated): gnomAD exomes below 0.00001; gnomAD 0.00001.
gnomAD v4.1: 3 of 1,612,548 alleles (0.00019%); highest among the groups gnomAD compares: Admixed American, 0.005%; no homozygotes.

Submissions (2):

Labcorp Genetics (formerly Invitae), Labcorp
Classification: Uncertain significance. Last evaluated: 2025-11-24. Review status: criteria provided, single submitter. Criteria: Invitae Variant Classification Sherloc (09022015). Collection method: clinical testing. Allele origin: germline.
Comment: This sequence change replaces histidine, which is basic and polar, with tyrosine, which is neutral and polar, at codon 1325 of the RIMS1 protein (p.His1325Tyr). This variant is present in population databases (no rsID available, gnomAD 0.006%). This variant has not been reported in the literature in individuals affected with RIMS1-related conditions. ClinVar contains an entry for this variant (Variation ID: 2320848). An algorithm developed to predict the effect of missense changes on protein structure and function (PolyPhen-2) suggests that this variant is likely to be tolerated. In summary, the available evidence is currently insufficient to determine the role of this variant in disease. Therefore, it has been classified as a Variant of Uncertain Significance.

Ambry Genetics
Classification: Uncertain significance. Last evaluated: 2022-10-26. Review status: criteria provided, single submitter. Criteria: Ambry Variant Classification Scheme 2023. Collection method: clinical testing. Allele origin: germline.

NM_014989.7(RIMS1):c.3973C>T (p.His1325Tyr)

Gene: RIMS1 (regulating synaptic membrane exocytosis 1; plus strand). Cytogenetic location: 6q13.
Variant type: single nucleotide variant.
Coding change: c.3973C>T on transcript NM_014989.7 (MANE Select); coding-DNA position 3973, C replaced by T.
Protein change: p.His1325Tyr; replaces histidine 1325 with tyrosine.
Molecular consequence: missense variant. On other transcripts: intron variant (24).
Genome position (GRCh38, 1-based): chr6:72,313,515, C>T. VCF-style: chr6-72313515-C-T. GRCh37 (hg19) VCF-style: chr6-73023218-C-T.
Other names: c.1933C>T, p.His645Tyr (NM_001168407.2); c.1894C>T, p.His632Tyr (NM_001350414.2); c.2017C>T, p.His673Tyr (NM_001350415.2); c.1966C>T, p.His656Tyr (NM_001350416.2); c.1939C>T, p.His647Tyr (NM_001350418.2); c.2047C>T, p.His683Tyr (NM_001350420.2); c.1792C>T, p.His598Tyr (NM_001350421.2); c.1708C>T, p.His570Tyr (NM_001350423.2, NM_001350444.2); and 51 more; short protein forms H489Y, H571Y, H592Y, H598Y, H615Y, H621Y, H632Y, H647Y.
Identifiers: ClinVar variation 2320848 (VCV002320848.3), dbSNP rs1385253451, ClinGen allele CA364690911.